The following is an entry in ClinVar:

NM_002878.4(RAD51D):c.237T>G (p.Thr79=)

Genes: RAD51D (RAD51 paralog D; minus strand), RAD51L3-RFFL (RAD51L3-RFFL readthrough; minus strand). Cytogenetic location: 17q12.
Variant type: single nucleotide variant.
Coding change: c.237T>G on transcript NM_002878.4 (MANE Select); coding-DNA position 237, T replaced by G.
Protein change: p.Thr79=; no amino-acid change (threonine 79 retained).
Molecular consequence: synonymous variant. On other transcripts: intron variant (2).
Genome position (GRCh38, 1-based): chr17:35,118,527, A>C on the plus strand (T>G on the coding strand, the complement: RAD51D is on the minus strand). VCF-style: chr17-35118527-A-C. GRCh37 (hg19) VCF-style: chr17-33445546-A-C.
Other names: c.144+584T>G (NM_133629.3, NM_001142571.2).
Identifiers: ClinVar variation 3903530 (VCV003903530.1).
Genomic context (GRCh38, chr17:35,118,527, plus strand): 5'-CCTCTCTCCTTCTTCCCCAAGTACACACACAAACCTGCCAATGCCAGTGGACAGGATGGC[A>C]GTGGAGGTCTTCAGTTCCTCGTAGAGATCAGCGCCATTCACGGGGAAAGCCGAGAACTGA-3'
Protein context (NP_002869.3, residues 69-89): ADLYEELKTS[Thr79=]AILSTGIGSL

ClinVar aggregate classification (germline): Benign (1 of 4 stars; one submission).

Conditions:
Breast-ovarian cancer, familial, susceptibility to, 4. Identifiers: Orphanet 145, MedGen C3280345, MONDO:0013669, OMIM 614291.

Submission:

Myriad Genetics, Inc.
Classification: Benign for Breast-ovarian cancer, familial, susceptibility to, 4. Last evaluated: 2025-02-20. Review status: criteria provided, single submitter. Criteria: Myriad Autosomal Dominant, Autosomal Recessive and X-Linked Classification Criteria (2023). Collection method: clinical testing. Allele origin: unknown.
Comment: This variant is considered benign. This variant is a silent/synonymous amino acid change and it is not expected to impact splicing.